The following is an entry in ClinVar:

NM_000512.5(GALNS):c.1365-2A>G

Genes: GALNS (galactosamine (N-acetyl)-6-sulfatase; minus strand), LOC126862447 (CDK7 strongly-dependent group 2 enhancer GRCh37_chr16:88884193-88885392; plus strand). Cytogenetic location: 16q24.3.
Variant type: single nucleotide variant.
Coding change: c.1365-2A>G on transcript NM_000512.5 (MANE Select); the canonical splice acceptor site of the intron before coding-DNA position 1365, A replaced by G.
Molecular consequence: splice acceptor variant.
Genome position (GRCh38, 1-based): chr16:88,818,126, T>C on the plus strand (A>G on the coding strand, the complement: GALNS is on the minus strand). VCF-style: chr16-88818126-T-C. GRCh37 (hg19) VCF-style: chr16-88884534-T-C.
Other names: c.810-2A>G (NM_001323543.2); c.1383-2A>G (NM_001323544.2).
Identifiers: ClinVar variation 2572062 (VCV002572062.4), dbSNP rs1281515662, ClinGen allele CA397094744.

ClinVar aggregate classification (germline): Pathogenic. Review status: criteria provided, single submitter (1 of 4 stars). 2 submissions from 2 submitters: Pathogenic (1). 1 of the submissions does not count toward it. Last evaluated 2025-01-15.

Conditions:
Mucopolysaccharidosis, MPS-IV-A (MPS4A). Also called: MPS IVA; mucopolysaccharidosis type 4A; Morquio syndrome A, mild; MORQUIO SYNDROME A; GALACTOSAMINE-6-SULFATASE DEFICIENCY; GALNS DEFICIENCY. Identifiers: Orphanet 309297, Orphanet 582, MedGen C0086651, MONDO:0009659, OMIM 253000.

Allele frequency attached by ClinVar (database versions not stated): gnomAD exomes below 0.00001; gnomAD 0.00001; TOPMed 0.00001.
gnomAD v4.1: 3 of 1,571,836 alleles (0.00019%); highest among the groups gnomAD compares: African/African-American, 0.0027%; no homozygotes.

Submissions (2):

Labcorp Genetics (formerly Invitae), Labcorp
Classification: Pathogenic for Mucopolysaccharidosis, MPS-IV-A. Last evaluated: 2025-01-15. Review status: criteria provided, single submitter. Criteria: Invitae Variant Classification Sherloc (09022015). Collection method: clinical testing. Allele origin: germline.
Comment: This sequence change affects an acceptor splice site in intron 12 of the GALNS gene. It is expected to disrupt RNA splicing. Variants that disrupt the donor or acceptor splice site typically lead to a loss of protein function (PMID: 16199547), and loss-of-function variants in GALNS are known to be pathogenic (PMID: 12442278). This variant is not present in population databases (gnomAD no frequency). Disruption of this splice site has been observed in individual(s) with mucopolysaccharidosis type IVA (PMID: 25545067). ClinVar contains an entry for this variant (Variation ID: 2572062). Algorithms developed to predict the effect of sequence changes on RNA splicing suggest that this variant may disrupt the consensus splice site. For these reasons, this variant has been classified as Pathogenic.

Molecular Biology Laboratory, Department of Zoology, Quaid-i-azam University
Classification: association not found for Mucopolysaccharidosis, MPS-IV-A. Review status: no assertion criteria provided. Collection method: research. Allele origin: inherited. Inheritance: Autosomal recessive inheritance. Affected: yes. Not counted in ClinVar's aggregate classification.

Literature cited by the submitters: PubMed 16199547 (cited by Labcorp Genetics (formerly Invitae), Labcorp); PubMed 12442278 (cited by Labcorp Genetics (formerly Invitae), Labcorp); PubMed 25545067 (cited by Labcorp Genetics (formerly Invitae), Labcorp).